The following is an entry in ClinVar:

ClinVar aggregate classification (germline): Pathogenic. Review status: criteria provided, multiple submitters, no conflicts (2 of 4 stars). 3 submissions from 3 submitters: Pathogenic (3). Last evaluated 2023-09-15.

Conditions:
Familial adenomatous polyposis 1 (FAP1). Also called: POLYPOSIS, ADENOMATOUS INTESTINAL; FAMILIAL ADENOMATOUS POLYPOSIS 1, ATTENUATED. Identifiers: MedGen C2713442, MONDO:0021056, OMIM 175100. Disease mechanism: loss of function.
Familial multiple polyposis syndrome (FAP). Also called: Familial adenomatous polyposis; Familial Adenomatous Polyposis (FAP); Familial intestinal polyposis; Familial polyposis; Classic familial adenomatous polyposis. Identifiers: Orphanet 733, MedGen C0032580, MONDO:0021055. Disease mechanism: loss of function.

Submissions (3):

Labcorp Genetics (formerly Invitae), Labcorp
Classification: Pathogenic for Familial adenomatous polyposis 1. Last evaluated: 2023-09-15. Review status: criteria provided, single submitter. Criteria: Invitae Variant Classification Sherloc (09022015). Collection method: clinical testing. Allele origin: germline.
Comment: ClinVar contains an entry for this variant (Variation ID: 433662). This sequence change creates a premature translational stop signal (p.Gln1469*) in the APC gene. While this is not anticipated to result in nonsense mediated decay, it is expected to disrupt the last 1375 amino acid(s) of the APC protein. This variant is not present in population databases (gnomAD no frequency). This premature translational stop signal has been observed in individual(s) with clinical features of familial adenomatous polyposis (PMID: 20685668). This variant is expected to disrupt the EB1 and HDLG binding sites, which mediate interactions with the cytoskeleton (PMID: 15311282, 17293347). While functional studies have not been performed to directly test the effect on APC protein function, this suggests that disruption of the C-terminal portion of the protein is functionally important. A different truncation (p.Tyr2645Lysfs*14) that lies downstream of this variant has been determined to be pathogenic (PMID: 9824584, 1316610, 27081525, 8381579, 22135120, Invitae). This suggests that deletion of this region of the APC protein is causative of disease. For these reasons, this variant has been classified as Pathogenic.

Myriad Genetics, Inc.
Classification: Pathogenic for Familial adenomatous polyposis 1. Last evaluated: 2023-05-10. Review status: criteria provided, single submitter. Criteria: Myriad Autosomal Dominant, Autosomal Recessive and X-Linked Classification Criteria (2023). Collection method: clinical testing. Allele origin: unknown.
Comment: This variant is considered pathogenic. This variant creates a termination codon and is predicted to result in premature protein truncation.

Department of Pathology and Laboratory Medicine, Sinai Health System
Classification: Pathogenic for Familial multiple polyposis syndrome. Review status: criteria provided, single submitter. Criteria: ACMG Guidelines, 2015. Collection method: clinical testing. Allele origin: germline. Affected: yes. Study: Canadian Open Genetics Repository (COGR).

Literature cited by the submitters: PubMed 20685668 (cited by Labcorp Genetics (formerly Invitae), Labcorp); PubMed 15311282 (cited by Labcorp Genetics (formerly Invitae), Labcorp); PubMed 17293347 (cited by Labcorp Genetics (formerly Invitae), Labcorp); PubMed 9824584 (cited by Labcorp Genetics (formerly Invitae), Labcorp); PubMed 1316610 (cited by Labcorp Genetics (formerly Invitae), Labcorp); PubMed 27081525 (cited by Labcorp Genetics (formerly Invitae), Labcorp); PubMed 8381579 (cited by Labcorp Genetics (formerly Invitae), Labcorp); PubMed 22135120 (cited by Labcorp Genetics (formerly Invitae), Labcorp).

NM_000038.6(APC):c.4405C>T (p.Gln1469Ter)

Gene: APC (APC regulator of Wnt signaling pathway; plus strand). Cytogenetic location: 5q22.2.
Variant type: single nucleotide variant.
Coding change: c.4405C>T on transcript NM_000038.6 (MANE Select); coding-DNA position 4405, C replaced by T.
Protein change: p.Gln1469Ter; replaces glutamine 1469 with a stop codon.
Molecular consequence: nonsense.
Genome position (GRCh38, 1-based): chr5:112,839,999, C>T. VCF-style: chr5-112839999-C-T. GRCh37 (hg19) VCF-style: chr5-112175696-C-T.
Other names: c.4405C>T, p.Gln1469Ter (NM_001127510.3, NM_001354895.2); c.4351C>T, p.Gln1451Ter (NM_001127511.3); c.4459C>T, p.Gln1487Ter (NM_001354896.2); c.4435C>T, p.Gln1479Ter (NM_001354897.2); c.4330C>T, p.Gln1444Ter (NM_001354898.2); c.4321C>T, p.Gln1441Ter (NM_001354899.2); c.4282C>T, p.Gln1428Ter (NM_001354900.2); c.4228C>T, p.Gln1410Ter (NM_001354901.2); and 5 more; short protein forms Q1451*, Q1469*, Q1186*, Q1368*, Q1444*, Q1487*, Q1378*, Q1410*.
Identifiers: ClinVar variation 433662 (VCV000433662.14), dbSNP rs1060503288, ClinGen allele CA16030978.